The following is an entry in ClinVar:

NM_020433.5(JPH2):c.1247G>A (p.Arg416His)

Gene: JPH2 (junctophilin 2; minus strand). Cytogenetic location: 20q13.12.
Variant type: single nucleotide variant.
Coding change: c.1247G>A on transcript NM_020433.5 (MANE Select); coding-DNA position 1247, G replaced by A.
Protein change: p.Arg416His; replaces arginine 416 with histidine.
Molecular consequence: missense variant.
Genome position (GRCh38, 1-based): chr20:44,118,546, C>T on the plus strand (G>A on the coding strand, the complement: JPH2 is on the minus strand). VCF-style: chr20-44118546-C-T. GRCh37 (hg19) VCF-style: chr20-42747186-C-T.
Other names: short protein forms R416H.
Identifiers: ClinVar variation 1284379 (VCV001284379.10), dbSNP rs190802013, ClinGen allele CA9868693.

ClinVar aggregate classification (germline): Uncertain significance. Review status: criteria provided, single submitter (1 of 4 stars). 3 submissions from 3 submitters: Uncertain significance (1). 2 of the submissions do not count toward it. Last evaluated 2025-03-09.

Conditions:
Hypertrophic cardiomyopathy. Also called: HYPERTROPHIC MYOCARDIOPATHY. Identifiers: Orphanet 217569, MedGen C0007194, MeSH D002312, MONDO:0005045, HP:0001639.

Allele frequency attached by ClinVar (database versions not stated): 1000 Genomes Project 30x 0.00016; 1000 Genomes Project 0.00020.

Submissions (3):

Labcorp Genetics (formerly Invitae), Labcorp
Classification: Uncertain significance for Hypertrophic cardiomyopathy. Last evaluated: 2025-03-09. Review status: criteria provided, single submitter. Criteria: Invitae Variant Classification Sherloc (09022015). Collection method: clinical testing. Allele origin: germline.
Comment: This sequence change replaces arginine, which is basic and polar, with histidine, which is basic and polar, at codon 416 of the JPH2 protein (p.Arg416His). This variant is present in population databases (rs190802013, gnomAD 0.01%). This missense change has been observed in individual(s) with dilated cardiomyopathy (PMID: 37461109). ClinVar contains an entry for this variant (Variation ID: 1284379). An algorithm developed to predict the effect of missense changes on protein structure and function (PolyPhen-2) suggests that this variant is likely to be disruptive. In summary, the available evidence is currently insufficient to determine the role of this variant in disease. Therefore, it has been classified as a Variant of Uncertain Significance.

Clinical Genetics, Academic Medical Center
Classification: Uncertain significance. Review status: no assertion criteria provided. Collection method: clinical testing. Allele origin: germline. Affected: yes. Study: VKGL Data-share Consensus. Not counted in ClinVar's aggregate classification.

Joint Genome Diagnostic Labs from Nijmegen and Maastricht, Radboudumc and MUMC+
Classification: Uncertain significance. Review status: no assertion criteria provided. Collection method: clinical testing. Allele origin: germline. Affected: yes. Study: VKGL Data-share Consensus. Not counted in ClinVar's aggregate classification.

Literature cited by the submitters: PubMed 37461109 (cited by Labcorp Genetics (formerly Invitae), Labcorp).